The following is an entry in ClinVar:

NM_018245.3(OGDHL):c.2559G>A (p.Glu853=)

Gene: OGDHL (oxoglutarate dehydrogenase L; minus strand). Cytogenetic location: 10q11.23.
Variant type: single nucleotide variant.
Coding change: c.2559G>A on transcript NM_018245.3 (MANE Select); coding-DNA position 2559, G replaced by A.
Protein change: p.Glu853=; no amino-acid change (glutamic acid 853 retained).
Molecular consequence: synonymous variant.
Genome position (GRCh38, 1-based): chr10:49,737,817, C>T on the plus strand (G>A on the coding strand, the complement: OGDHL is on the minus strand). VCF-style: chr10-49737817-C-T. GRCh37 (hg19) VCF-style: chr10-50945863-C-T.
Other names: c.2388G>A, p.Glu796= (NM_001143996.2, NM_001347820.1); c.1932G>A, p.Glu644= (NM_001143997.2, NM_001347821.2, NM_001347822.1); c.2559G>A, p.Glu853= (NM_001347819.1); c.2379G>A, p.Glu793= (NM_001347823.1, NM_001347824.2); c.1752G>A, p.Glu584= (NM_001347825.2); c.1362G>A, p.Glu454= (NM_001347826.1).
Identifiers: ClinVar variation 4084637 (VCV004084637.8).

ClinVar aggregate classification (germline): Likely benign (1 of 4 stars; one submission).

gnomAD v4.1: 8 of 1,614,116 alleles (0.0005%); highest among the groups gnomAD compares: Non-Finnish European, 0.00034%; no homozygotes.

Submission:

CeGaT Center for Human Genetics Tuebingen
Classification: Likely benign. Last evaluated: 2025-08-01. Review status: criteria provided, single submitter. Criteria: CeGaT Center For Human Genetics Tuebingen Variant Classification Criteria Version 2. Collection method: clinical testing. Allele origin: germline. Affected: yes. Observed: 1 variant allele.
Comment: OGDHL: BP4, BP7